The following is an entry in ClinVar:

ClinVar aggregate classification (germline): Uncertain significance (1 of 4 stars; one submission).

Submission:

Labcorp Genetics (formerly Invitae), Labcorp
Classification: Uncertain significance. Last evaluated: 2024-03-04. Review status: criteria provided, single submitter. Criteria: Invitae Variant Classification Sherloc (09022015). Collection method: clinical testing. Allele origin: germline.
Comment: This sequence change replaces isoleucine, which is neutral and non-polar, with valine, which is neutral and non-polar, at codon 320 of the POLE2 protein (p.Ile320Val). This variant is present in population databases (no rsID available, gnomAD 0.001%). This variant has not been reported in the literature in individuals affected with POLE2-related conditions. An algorithm developed to predict the effect of missense changes on protein structure and function (PolyPhen-2) suggests that this variant is likely to be tolerated. In summary, the available evidence is currently insufficient to determine the role of this variant in disease. Therefore, it has been classified as a Variant of Uncertain Significance.

NM_002692.4(POLE2):c.958A>G (p.Ile320Val)

Gene: POLE2 (DNA polymerase epsilon 2, accessory subunit; minus strand). Cytogenetic location: 14q21.3.
Variant type: single nucleotide variant.
Coding change: c.958A>G on transcript NM_002692.4 (MANE Select); coding-DNA position 958, A replaced by G.
Protein change: p.Ile320Val; replaces isoleucine 320 with valine.
Molecular consequence: missense variant.
Genome position (GRCh38, 1-based): chr14:49,655,065, T>C on the plus strand (A>G on the coding strand, the complement: POLE2 is on the minus strand). VCF-style: chr14-49655065-T-C. GRCh37 (hg19) VCF-style: chr14-50121783-T-C.
Other names: c.880A>G, p.Ile294Val (NM_001197330.2); c.958A>G, p.Ile320Val (NM_001197331.3, NM_001348384.2); c.727A>G, p.Ile243Val (NM_001348385.2); short protein forms I243V, I294V, I320V.
Identifiers: ClinVar variation 3644512 (VCV003644512.2).